The following is an entry in ClinVar:

NM_001190737.2(NFIB):c.32A>G (p.Asp11Gly)

Gene: NFIB (nuclear factor I B; minus strand). Cytogenetic location: 9p22.3.
Variant type: single nucleotide variant.
Coding change: c.32A>G on transcript NM_001190737.2 (MANE Select); coding-DNA position 32, A replaced by G.
Protein change: p.Asp11Gly; replaces aspartic acid 11 with glycine.
Molecular consequence: missense variant. On other transcripts: 5 prime UTR variant (1).
Genome position (GRCh38, 1-based): chr9:14,307,519, T>C on the plus strand (A>G on the coding strand, the complement: NFIB is on the minus strand). VCF-style: chr9-14307519-T-C. GRCh37 (hg19) VCF-style: chr9-14307518-T-C.
Other names: c.110A>G, p.Asp37Gly (NM_001190738.2); c.98A>G, p.Asp33Gly (NM_001369458.1, NM_001369459.1, NM_001369462.1 and 1 more transcripts); c.20A>G, p.Asp7Gly (NM_001369460.1, NM_001369463.1, NM_001369466.1 and 4 more transcripts); c.32A>G, p.Asp11Gly (NM_001369461.1, NM_001369464.1, NM_001369471.1 and 5 more transcripts); c.5A>G, p.Asp2Gly (NM_001369465.1, NM_001369467.1, NM_001369476.1); c.-113A>G (NM_001369469.1); c.17A>G, p.Asp6Gly (NM_001369474.1); short protein forms D11G, D2G, D33G, D37G, D6G, D7G.
Identifiers: ClinVar variation 3368725 (VCV003368725.1).

ClinVar aggregate classification (germline): Uncertain significance (1 of 4 stars; one submission).

gnomAD v4.1: 1 of 1,598,674 alleles (0.000063%); highest among the groups gnomAD compares: African/African-American, 0.0013%; no homozygotes.

Submission:

GeneDx
Classification: Uncertain significance. Last evaluated: 2024-02-08. Review status: criteria provided, single submitter. Criteria: GeneDx Variant Classification Process June 2021. Collection method: clinical testing. Allele origin: germline. Affected: yes.
Comment: Not observed at significant frequency in large population cohorts (gnomAD); In silico analysis supports that this missense variant has a deleterious effect on protein structure/function; Has not been previously published as pathogenic or benign to our knowledge